The following is an entry in ClinVar:

ClinVar aggregate classification (germline): Uncertain significance (1 of 4 stars; one submission).

Conditions:
Multiple endocrine neoplasia, type 1 (MEN1). Also called: Endocrine adenomatosis multiple; MEN 1; WERMER SYNDROME; MEA I; MEN I. Identifiers: Orphanet 652, MedGen C0025267, MeSH D018761, MONDO:0007540, OMIM 131100.

Submission:

Labcorp Genetics (formerly Invitae), Labcorp
Classification: Uncertain significance for Multiple endocrine neoplasia, type 1. Last evaluated: 2020-10-01. Review status: criteria provided, single submitter. Criteria: Invitae Variant Classification Sherloc (09022015). Collection method: clinical testing. Allele origin: germline.
Comment: In summary, the available evidence is currently insufficient to determine the role of this variant in disease. Therefore, it has been classified as a Variant of Uncertain Significance. Advanced modeling of protein sequence and biophysical properties (such as structural, functional, and spatial information, amino acid conservation, physicochemical variation, residue mobility, and thermodynamic stability) performed at Invitae indicates that this missense variant is expected to disrupt MEN1 protein function. This variant has not been reported in the literature in individuals with MEN1-related conditions. This variant is not present in population databases (ExAC no frequency). This sequence change replaces serine with phenylalanine at codon 142 of the MEN1 protein (p.Ser142Phe). The serine residue is highly conserved and there is a large physicochemical difference between serine and phenylalanine.

NM_001370259.2(MEN1):c.425C>T (p.Ser142Phe)

Gene: MEN1 (menin 1; minus strand). Cytogenetic location: 11q13.1.
Variant type: single nucleotide variant.
Coding change: c.425C>T on transcript NM_001370259.2 (MANE Select); coding-DNA position 425, C replaced by T.
Protein change: p.Ser142Phe; replaces serine 142 with phenylalanine.
Molecular consequence: missense variant.
Genome position (GRCh38, 1-based): chr11:64,809,685, G>A on the plus strand (C>T on the coding strand, the complement: MEN1 is on the minus strand). VCF-style: chr11-64809685-G-A. GRCh37 (hg19) VCF-style: chr11-64577157-G-A.
Other names: c.425C>T, p.Ser142Phe (NM_000244.4, NM_001370251.2, NM_001370260.2 and 9 more transcripts); short protein forms S142F.
Identifiers: ClinVar variation 1022492 (VCV001022492.8), dbSNP rs1941976986, ClinGen allele CA381186740.
Genomic context (GRCh38, chr11:64,809,685, plus strand): 5'-AGTGGGTCATGGATAAGATTCCCACCTACTGGGCTCCAACCTGTGATGAAGCTGAAGAGG[G>A]ACTGGATGTGGGCCCGATCCTTGAAGTAGGAGCGGCTGAGGCTGTTCCATATGACATCGG-3'
Protein context (NP_001357188.2, residues 132-152): SYFKDRAHIQ[Ser142Phe]LFSFITGTKL